The following is an entry in ClinVar:

ClinVar aggregate classification (germline): Benign (1 of 4 stars; one submission).

Allele frequency attached by ClinVar (database versions not stated): TOPMed 0.33251; gnomAD 0.34741 and 0.35554; 1000 Genomes Project 0.40635.
gnomAD v4.1: 302,340 of 1,001,068 alleles (30%); highest among the groups gnomAD compares: African/African-American, 46%; 46,408 homozygotes.

Submission:

GeneDx
Classification: Benign. Last evaluated: 2018-06-14. Review status: criteria provided, single submitter. Criteria: GeneDx Variant Classification (06012015). Collection method: clinical testing. Allele origin: germline. Affected: yes.
Comment: This variant is considered likely benign or benign based on one or more of the following criteria: it is a conservative change, it occurs at a poorly conserved position in the protein, it is predicted to be benign by multiple in silico algorithms, and/or has population frequency not consistent with disease.

NM_000540.3(RYR1):c.8542-122A>C

Genes: RYR1 (ryanodine receptor 1; plus strand), LOC126862902 (BRD4-independent group 4 enhancer GRCh37_chr19:38995830-38997029; plus strand). Cytogenetic location: 19q13.2.
Variant type: single nucleotide variant.
Coding change: c.8542-122A>C on transcript NM_000540.3 (MANE Select); 122 bases into the intron before coding-DNA position 8542, A replaced by C.
Molecular consequence: intron variant.
Genome position (GRCh38, 1-based): chr19:38,506,181, A>C. VCF-style: chr19-38506181-A-C. GRCh37 (hg19) VCF-style: chr19-38996821-A-C.
Other names: c.8542-122A>C (NM_001042723.2).
Identifiers: ClinVar variation 669227 (VCV000669227.1), dbSNP rs2915955, ClinGen allele CA308117984.